The following is an entry in ClinVar:

NM_001126108.2(SLC12A3):c.1924C>T (p.Arg642Cys)

Gene: SLC12A3 (solute carrier family 12 member 3; plus strand). Cytogenetic location: 16q13.
Variant type: single nucleotide variant.
Coding change: c.1924C>T on transcript NM_001126108.2 (MANE Select); coding-DNA position 1924, C replaced by T.
Protein change: p.Arg642Cys; replaces arginine 642 with cysteine.
Molecular consequence: missense variant.
Genome position (GRCh38, 1-based): chr16:56,885,363, C>T. VCF-style: chr16-56885363-C-T. GRCh37 (hg19) VCF-style: chr16-56919275-C-T.
Other names: c.1924C>T, p.Arg642Cys (NM_000339.3); c.1921C>T, p.Arg641Cys (NM_001126107.2); short protein forms R641C, R642C.
Identifiers: ClinVar variation 944812 (VCV000944812.22), dbSNP rs200697179, ClinGen allele CA8069651.

ClinVar aggregate classification (germline): Pathogenic. Review status: criteria provided, multiple submitters, no conflicts (2 of 4 stars). 9 submissions from 9 submitters: Pathogenic (9). Last evaluated 2025-12-30.

Conditions:
SLC12A3-related disorder. Also called: SLC12A3-related condition.
Familial hypokalemia-hypomagnesemia (GTLMNS). Also called: gitelman syndrome; POTASSIUM AND MAGNESIUM DEPLETION; HYPOMAGNESEMIA-HYPOKALEMIA, PRIMARY RENOTUBULAR, WITH HYPOCALCIURIA. Identifiers: Orphanet 358, MedGen C0268450, MONDO:0009904, OMIM 263800.

Allele frequency attached by ClinVar (database versions not stated): TOPMed 0.00007; 1000 Genomes Project 30x 0.00016; 1000 Genomes Project 0.00020.
gnomAD v4.1: 86 of 1,546,188 alleles (0.0056%); highest among the groups gnomAD compares: East Asian, 0.071%; no homozygotes.

Submissions (9):

Labcorp Genetics (formerly Invitae), Labcorp
Classification: Pathogenic. Last evaluated: 2025-12-30. Review status: criteria provided, single submitter. Criteria: Invitae Variant Classification Sherloc (09022015). Collection method: clinical testing. Allele origin: germline.
Comment: This sequence change replaces arginine, which is basic and polar, with cysteine, which is neutral and slightly polar, at codon 642 of the SLC12A3 protein (p.Arg642Cys). This variant is present in population databases (rs200697179, gnomAD 0.07%). This missense change has been observed in individual(s) with Gitelman syndrome (PMID: 10561140, 15069170, 16370563, 21051746). In at least one individual the data is consistent with being in trans (on the opposite chromosome) from a pathogenic variant. It has also been observed to segregate with disease in related individuals. This variant is also known as c.1930C>T. ClinVar contains an entry for this variant (Variation ID: 944812). An algorithm developed to predict the effect of missense changes on protein structure and function (PolyPhen-2) suggests that this variant is likely to be disruptive. This variant disrupts the p.Arg642 amino acid residue in SLC12A3. Other variant(s) that disrupt this residue have been observed in individuals with SLC12A3-related conditions (PMID: 12112667), which suggests that this may be a clinically significant amino acid residue. For these reasons, this variant has been classified as Pathogenic.

Victorian Clinical Genetics Services, Murdoch Childrens Research Institute
Classification: Pathogenic for Familial hypokalemia-hypomagnesemia. Last evaluated: 2025-12-04. Review status: criteria provided, single submitter. Criteria: ACMG Guidelines, 2015. Collection method: clinical testing. Allele origin: germline. Affected: yes.
Comment: This variant is classified as Pathogenic. Evidence in support of pathogenic classification: Variant is present in gnomAD <0.01 for a recessive condition (v4: 86 heterozygote(s), 0 homozygote(s)); This variant has strong previous evidence of pathogenicity in unrelated individuals. This variant has been classified as pathogenic by clinical laboratories in ClinVar. - Other missense variant(s) comparable to the one identified in this case have very strong previous evidence for pathogenicity. p.(Arg642Gly) and p.(Arg642His) have been classified as pathogenic by multiple clinical laboratories in ClinVar; Missense variant predicted to be damaging by in silico tool(s) or highly conserved with a major amino acid change. Additional information: Variant is predicted to result in a missense amino acid change from Arg to Cys; This variant is heterozygous; This gene is associated with autosomal recessive disease; Alternative amino acid change(s) at the same position are present in gnomAD (Highest allele count: v4: 67 heterozygote(s), 0 homozygote(s)); Variant is located in the annotated amino acid permease domain (DECIPHER); Loss of function is a known mechanism of disease in this gene and is associated with Gitelman syndrome (MIM#263800); Inheritance information for this variant is not currently available in this individual.

3billion
Classification: Pathogenic for Familial hypokalemia-hypomagnesemia. Last evaluated: 2025-10-29. Review status: criteria provided, single submitter. Criteria: ACMG Guidelines, 2015. Collection method: clinical testing. Allele origin: germline. Affected: yes.
Comment: The variant is observed at an extremely low frequency in the gnomAD v4.1.0 dataset (total allele frequency: 0.006%). Predicted Consequence/Location: Missense variant In silico tool predictions suggest damaging effect of the variant on gene or gene product [REVEL: 0.53 (>=0.6, sensitivity 0.68 and specificity 0.92); 3Cnet: 0.98 (> 0.75, sensitivity 0.96 and precision 0.92)]. The same nucleotide change resulting in the same amino acid change has been previously reported as pathogenic/likely pathogenic with strong evidence (ClinVar ID: VCV000944812 /PMID: 10561140 /3billion dataset). The variant has been reported to be in trans with a pathogenic variant as either compound heterozygous or homozygous in at least 2 similarly affected unrelated individuals (PMID: 10561140, 15069170, 16370563). The variant has been reported to co-segregate with the disease in at least one similarly affected relative/individual in the same family or similarly affected unrelated families (PMID: 15069170). Different missense changes at the same codon (p.Arg642Gly, p.Arg642His) have been reported as pathogenic/likely pathogenic with strong evidence (ClinVar ID: VCV000319909, VCV000397523 /PMID: 11168953, 17699451, 9734597 /3billion dataset). Therefore, this variant is classified as Pathogenic according to the recommendation of ACMG/AMP guideline.

Natera, Inc.
Classification: Pathogenic for Gitelman syndrome. Last evaluated: 2025-09-19. Review status: criteria provided, single submitter. Criteria: Natera Variant Classification Schema (03/2026). Collection method: clinical testing. Allele origin: germline.
Comment: The c.1924C>T variant in SLC12A3 is a missense variant predicted to cause substitution of arginine to cysteine at amino acid 642. This variant is rare in the general population with a frequency below the threshold expected for the associated phenotype(s). This variant has been observed in one or more individuals affected with the associated recessive disease, as either homozygous or compound heterozygous with a second variant (PMID: 33348466, 26770037, 15687331). Given the available evidence, this variant is classified as Pathogenic.

Blueprint Genetics
Classification: Pathogenic for SLC12A3-related disorders. Last evaluated: 2024-08-06. Review status: criteria provided, single submitter. Criteria: ACMG Guidelines, 2015. Collection method: clinical testing. Allele origin: germline. Affected: yes. Observed: 4 variant alleles.

GeneDx
Classification: Pathogenic. Last evaluated: 2024-07-16. Review status: criteria provided, single submitter. Criteria: GeneDx Variant Classification Process June 2021. Collection method: clinical testing. Allele origin: germline. Affected: yes.
Comment: In silico analysis supports that this missense variant has a deleterious effect on protein structure/function; This variant is associated with the following publications: (PMID: 10616841, 25815233, 34373523, 28700713, 30596175, 31672324, 31398183, 35628451, 21051746, 25140267, 10561140, 15069170, 33348466, 16370563)

Fulgent Genetics
Classification: Pathogenic for Familial hypokalemia-hypomagnesemia. Last evaluated: 2023-12-29. Review status: criteria provided, single submitter. Criteria: ACMG Guidelines, 2015. Collection method: clinical testing. Allele origin: germline.

Revvity Omics, Revvity
Classification: Pathogenic for Familial hypokalemia-hypomagnesemia. Last evaluated: 2022-06-17. Review status: criteria provided, single submitter. Criteria: ACMG Guidelines, 2015. Collection method: clinical testing. Allele origin: germline.

Juno Genomics, Hangzhou Juno Genomics, Inc
Classification: Pathogenic for Familial hypokalemia-hypomagnesemia. Review status: criteria provided, single submitter. Criteria: ACMG Guidelines, 2015. Collection method: clinical testing. Allele origin: germline.
Comment: Absent from controls (or at extremely low frequency if recessive) in Genome Aggregation Database.;For recessive disorders, detected in trans with a pathogenic variant.;Patient's phenotype or family history is highly specific for a disease with a single genetic etiology.

Literature cited by the submitters: PubMed 10561140 (cited by Labcorp Genetics (formerly Invitae), Labcorp and 3billion); PubMed 15069170 (cited by Labcorp Genetics (formerly Invitae), Labcorp and 3billion); PubMed 16370563 (cited by Labcorp Genetics (formerly Invitae), Labcorp and 3billion); PubMed 21051746 (cited by Labcorp Genetics (formerly Invitae), Labcorp); PubMed 12112667 (cited by Labcorp Genetics (formerly Invitae), Labcorp); PubMed 11168953 (cited by 3billion); PubMed 33348466 (cited by Natera, Inc.); PubMed 26770037 (cited by Natera, Inc.); PubMed 15687331 (cited by Natera, Inc.).